The following is an entry in ClinVar:

NM_001243925.2(MAPKAPK3):c.641_647del (p.Leu214fs)

Gene: MAPKAPK3 (MAPK activated protein kinase 3; plus strand). Cytogenetic location: 3p21.2.
Variant type: Deletion.
Coding change: c.641_647del on transcript NM_001243925.2 (MANE Select); coding-DNA positions 641 to 647, 7 bases deleted (TGGGTCC; older notation c.641_647delTGGGTCC).
Protein change: p.Leu214fs; shifts the reading frame from leucine 214.
Molecular consequence: frameshift variant.
Genome position (GRCh38, 1-based): chr3:50,645,722-50,645,728, TGGGTCC deleted; deleting any 7 consecutive bases within chr3:50,645,717-50,645,728 gives the same sequence; the c. name uses the placement nearest the transcript's 3' end. VCF-style (leftmost placement, unchanged base first): chr3-50645716-AGGTCCTG-A. GRCh37 (hg19) VCF-style: chr3-50683147-AGGTCCTG-A.
Other names: c.641_647del, p.Leu214fs (NM_001243926.2, NM_004635.5); short protein forms L214fs.
Identifiers: ClinVar variation 4726508 (VCV004726508.1).
Genomic context (GRCh38, chr3:50,645,716, plus strand): 5'-CTGGGCTCCAAGACCCTTGGGTCTGAGAGCCCTGCTGTCCCTCTGCCCTGGCAGCCCCTG[AGGTCCTG>A]GGTCCAGAGAAGTATGACAAGTCATGTGACATGTGGTCCCTGGGTGTCATCATGTACATC-3'

ClinVar aggregate classification (germline): Uncertain significance (1 of 4 stars; one submission).

Submission:

Labcorp Genetics (formerly Invitae), Labcorp
Classification: Uncertain significance. Last evaluated: 2025-10-01. Review status: criteria provided, single submitter. Criteria: Invitae Variant Classification Sherloc (09022015). Collection method: clinical testing. Allele origin: germline.
Comment: This sequence change creates a premature translational stop signal (p.Leu214Glnfs*39) in the MAPKAPK3 gene. It is expected to result in an absent or disrupted protein product. However, the current clinical and genetic evidence is not sufficient to establish whether loss-of-function variants in MAPKAPK3 cause disease. This variant is not present in population databases (gnomAD no frequency). This variant has not been reported in the literature in individuals affected with MAPKAPK3-related conditions. Algorithms developed to predict the effect of sequence changes on RNA splicing suggest that this variant may disrupt the consensus splice site. In summary, the available evidence is currently insufficient to determine the role of this variant in disease. Therefore, it has been classified as a Variant of Uncertain Significance.